The following is an entry in ClinVar:

ClinVar aggregate classification (germline): Uncertain significance (1 of 4 stars; one submission).

Conditions:
WNT10B-related disorder. Also called: WNT10B-related condition.

Submission:

PreventionGenetics, part of Exact Sciences
Classification: Uncertain significance for WNT10B-related condition. Last evaluated: 2024-10-28. Review status: criteria provided, single submitter. Criteria: ACMG Guidelines, 2015. Collection method: clinical testing. Allele origin: germline.
Comment: The WNT10B c.656C>T variant is predicted to result in the amino acid substitution p.Ala219Val. To our knowledge, this variant has not been reported in the literature or in a large population database (gnomAD), indicating this variant is rare. At this time, the clinical significance of this variant is uncertain due to the absence of conclusive functional and genetic evidence.

NM_003394.4(WNT10B):c.656C>T (p.Ala219Val)

Gene: WNT10B (Wnt family member 10B; minus strand). Cytogenetic location: 12q13.12.
Variant type: single nucleotide variant.
Coding change: c.656C>T on transcript NM_003394.4 (MANE Select); coding-DNA position 656, C replaced by T.
Protein change: p.Ala219Val; replaces alanine 219 with valine.
Molecular consequence: missense variant.
Genome position (GRCh38, 1-based): chr12:48,968,001, G>A on the plus strand (C>T on the coding strand, the complement: WNT10B is on the minus strand). VCF-style: chr12-48968001-G-A. GRCh37 (hg19) VCF-style: chr12-49361784-G-A.
Other names: short protein forms A219V.
Identifiers: ClinVar variation 4986221 (VCV004986221.1).